The following is an entry in ClinVar:

NM_003239.5(TGFB3):c.653A>T (p.Asn218Ile)

Gene: TGFB3 (transforming growth factor beta 3; minus strand). Cytogenetic location: 14q24.3.
Variant type: single nucleotide variant.
Coding change: c.653A>T on transcript NM_003239.5 (MANE Select); coding-DNA position 653, A replaced by T.
Protein change: p.Asn218Ile; replaces asparagine 218 with isoleucine.
Molecular consequence: missense variant.
Genome position (GRCh38, 1-based): chr14:75,965,689, T>A on the plus strand (A>T on the coding strand, the complement: TGFB3 is on the minus strand). VCF-style: chr14-75965689-T-A. GRCh37 (hg19) VCF-style: chr14-76432032-T-A.
Other names: c.653A>T, p.Asn218Ile (NM_001329938.2, NM_001329939.2); short protein forms N218I.
Identifiers: ClinVar variation 1502379 (VCV001502379.8), dbSNP rs2140240288, ClinGen allele CA390469034.

ClinVar aggregate classification (germline): Uncertain significance (1 of 4 stars; one submission).

Conditions:
Rienhoff syndrome. Also called: LOEYS-DIETZ SYNDROME 5. Identifiers: MedGen C3810012, MONDO:0014262, OMIM 615582.

Submission:

Labcorp Genetics (formerly Invitae), Labcorp
Classification: Uncertain significance for Rienhoff syndrome. Last evaluated: 2021-01-14. Review status: criteria provided, single submitter. Criteria: Invitae Variant Classification Sherloc (09022015). Collection method: clinical testing. Allele origin: germline.
Comment: This sequence change replaces asparagine with isoleucine at codon 218 of the TGFB3 protein (p.Asn218Ile). The asparagine residue is highly conserved and there is a large physicochemical difference between asparagine and isoleucine. This variant is not present in population databases (ExAC no frequency). This variant has not been reported in the literature in individuals with TGFB3-related conditions. Algorithms developed to predict the effect of missense changes on protein structure and function are either unavailable or do not agree on the potential impact of this missense change (SIFT: "Deleterious"; PolyPhen-2: "Probably Damaging"; Align-GVGD: "Class C15"). In summary, the available evidence is currently insufficient to determine the role of this variant in disease. Therefore, it has been classified as a Variant of Uncertain Significance.